The following is an entry in ClinVar:

ClinVar aggregate classification (germline): Pathogenic. Review status: criteria provided, multiple submitters, no conflicts (2 of 4 stars). 2 submissions from 2 submitters: Pathogenic (2). Last evaluated 2019-03-10.

Conditions:
Hereditary cancer-predisposing syndrome. Also called: Neoplastic Syndromes, Hereditary; Hereditary Cancer Syndrome; Hereditary neoplastic syndrome; Tumor predisposition. Identifiers: Orphanet 140162, MedGen C0027672, MeSH D009386, MONDO:0015356.

Submissions (2):

Ambry Genetics
Classification: Pathogenic for Hereditary cancer-predisposing syndrome. Last evaluated: 2019-03-10. Review status: criteria provided, single submitter. Criteria: Ambry Variant Classification Scheme 2023. Collection method: clinical testing. Allele origin: germline.
Comment: The c.1110delT pathogenic mutation, located in coding exon 7 of the MEN1 gene, results from a deletion of one nucleotide at nucleotide position 1110, causing a translational frameshift with a predicted alternate stop codon (p.D370Efs*7). This alteration is expected to result in loss of function by premature protein truncation or nonsense-mediated mRNA decay. As such, this alteration is interpreted as a disease-causing mutation.

GeneDx
Classification: Pathogenic. Last evaluated: 2014-10-30. Review status: criteria provided, single submitter. Criteria: GeneDx Variant Classification (06012015). Collection method: clinical testing. Allele origin: germline. Affected: yes.
Comment: The c.1110delT mutation in the MEN1 gene causes a frameshift starting with codon Aspartic Acid 370, changes this amino acid to a Glutamic Acid residue and creates a premature Stop codon at position 7 of the new reading frame, denoted p.Asp370GlufsX7. The normal sequence with the base that is deleted in braces is: ATGA{T}GTCA. This mutation is predicted to cause loss of normal protein function either through protein truncation or nonsense-mediated mRNA decay. Although this mutation has not been previously reported to our knowledge, its presence is consistent with a diagnosis of MEN1. The variant is found in MEN1 panel(s).

Literature cited by the submitters: PubMed 26767918 (cited by Ambry Genetics).

NM_001370259.2(MEN1):c.1110del (p.Asp370fs)

Gene: MEN1 (menin 1; minus strand). Cytogenetic location: 11q13.1.
Variant type: Deletion.
Coding change: c.1110del on transcript NM_001370259.2 (MANE Select); coding-DNA position 1110, one base deleted (T; older notation c.1110delT).
Protein change: p.Asp370fs; shifts the reading frame from aspartic acid 370.
Molecular consequence: frameshift variant.
Genome position (GRCh38, 1-based): chr11:64,805,710, A deleted on the plus strand (T on the coding strand, the reverse complement: MEN1 is on the minus strand). VCF-style (leftmost placement, unchanged base first): chr11-64805709-CA-C. GRCh37 (hg19) VCF-style: chr11-64573181-CA-C.
Other names: c.1110delT (NM_130799.2); c.1125del, p.Asp375fs (NM_000244.4, NM_130800.3, NM_130801.3 and 3 more transcripts); c.1236del, p.Asp412fs (NM_001370251.2); c.1110del, p.Asp370fs (NM_001370260.2, NM_001370261.2, NM_130799.3); c.1005del, p.Asp335fs (NM_001370262.2, NM_001370263.2); short protein forms D375fs, D335fs, D370fs, D412fs.
Identifiers: ClinVar variation 201020 (VCV000201020.6), dbSNP rs794728658, ClinGen allele CA009028.